The following is an entry in ClinVar:

NM_005632.3(CAPN15):c.2599C>T (p.Arg867Cys)

Gene: CAPN15 (calpain 15; plus strand). Cytogenetic location: 16p13.3.
Variant type: single nucleotide variant.
Coding change: c.2599C>T on transcript NM_005632.3 (MANE Select); coding-DNA position 2599, C replaced by T.
Protein change: p.Arg867Cys; replaces arginine 867 with cysteine.
Molecular consequence: missense variant.
Genome position (GRCh38, 1-based): chr16:552,392, C>T. VCF-style: chr16-552392-C-T. GRCh37 (hg19) VCF-style: chr16-602392-C-T.
Other names: short protein forms R867C.
Identifiers: ClinVar variation 2321603 (VCV002321603.4), dbSNP rs569215606, ClinGen allele CA7778843.
Genomic context (GRCh38, chr16:552,392, plus strand): 5'-GACCTGTGCATCCTGGTGTTCCGGGCCACGTTCGGCAGCGGCGGCCACCTCAGCCTGGGC[C>T]GCCTCCTGGCCCACAGTAAGCGCGCGGTCAAGAAGTTCGTCAGCTGCGACGTCATGCTGG-3'
Protein context (NP_005623.1, residues 857-877): FGSGGHLSLG[Arg867Cys]LLAHSKRAVK

ClinVar aggregate classification (germline): Uncertain significance. Review status: criteria provided, multiple submitters, no conflicts (2 of 4 stars). 2 submissions from 2 submitters: Uncertain significance (2). Last evaluated 2022-11-04.

Conditions:
Oculogastrointestinal-neurodevelopmental syndrome. Identifiers: Orphanet 611201, MedGen C5543355, MONDO:0036189, OMIM 619318.

Allele frequency attached by ClinVar (database versions not stated): gnomAD exomes 0.00003; TOPMed 0.00003; gnomAD 0.00005; 1000 Genomes Project 30x 0.00016; 1000 Genomes Project 0.00020.
gnomAD v4.1: 47 of 1,606,196 alleles (0.0029%); highest among the groups gnomAD compares: African/African-American, 0.008%; no homozygotes.

Submissions (2):

Ambry Genetics
Classification: Uncertain significance. Last evaluated: 2022-11-04. Review status: criteria provided, single submitter. Criteria: Ambry Variant Classification Scheme 2023. Collection method: clinical testing. Allele origin: germline.

Neuberg Centre For Genomic Medicine, NCGM
Classification: Uncertain significance for Oculogastrointestinal-neurodevelopmental syndrome. Review status: criteria provided, single submitter. Criteria: ACMG Guidelines, 2015. Collection method: clinical testing. Allele origin: germline. Inheritance: Autosomal recessive inheritance. Affected: yes.
Comment: The missense c.2599C>T p.Arg867Cys variant in CAPN15 gene has not been reported previously as a pathogenic variant nor as a benign variant, to our knowledge. The p.Arg867Cys variant is novel not in any individuals in gnomAD Exomes and 1000 Genomes. This variant has been reported to the ClinVar database as a Variant of Uncertain Significance. The amino acid change p.Arg867Cys in CAPN15 is predicted as conserved by GERP++ and PhyloP across 100 vertebrates. The amino acid Arg at position 867 is changed to a Cys changing protein sequence and it might alter its composition and physico-chemical properties. For these reasons, this variant has been classified as a Variant of Uncertain Significance VUS.